The following is an entry in ClinVar:

NM_001142800.2(EYS):c.2068del (p.Cys690fs)

Gene: EYS (EGF-like photoreceptor maintenance factor; minus strand). Cytogenetic location: 6q12.
Variant type: Deletion.
Coding change: c.2068del on transcript NM_001142800.2 (MANE Select); coding-DNA position 2068, one base deleted (T; older notation c.2068delT).
Protein change: p.Cys690fs; shifts the reading frame from cysteine 690.
Molecular consequence: frameshift variant.
Genome position (GRCh38, 1-based): chr6:65,057,683, A deleted on the plus strand (T on the coding strand, the reverse complement: EYS is on the minus strand). VCF-style (leftmost placement, unchanged base first): chr6-65057682-CA-C. GRCh37 (hg19) VCF-style: chr6-65767575-CA-C.
Other names: c.2068delT (NM_001142800.1); c.2068del, p.Cys690fs (NM_001292009.2); short protein forms C690fs.
Identifiers: ClinVar variation 2675291 (VCV002675291.7), dbSNP rs2533709637, ClinGen allele CA2578660587.

ClinVar aggregate classification (germline): Pathogenic/Likely pathogenic. Review status: criteria provided, multiple submitters, no conflicts (2 of 4 stars). 4 submissions from 4 submitters: Pathogenic (1); Likely pathogenic (3). Last evaluated 2025-09-04.

Conditions:
Retinitis pigmentosa 25 (RP25). Identifiers: Orphanet 791, MedGen C1864446, MONDO:0011272, OMIM 602772.
EYS-related disorder. Also called: EYS-related condition.

Allele frequency attached by ClinVar (database versions not stated): gnomAD exomes below 0.00001.

Submissions (4):

Natera, Inc.
Classification: Likely pathogenic for Retinitis pigmentosa type 25. Last evaluated: 2025-09-04. Review status: criteria provided, single submitter. Criteria: Natera Variant Classification Schema (03/2026). Collection method: clinical testing. Allele origin: germline.
Comment: The c.2068delT variant in EYS is a frameshift variant predicted to shift the reading frame beginning at codon 690 and leads to a stop codon 39 codons downstream. This variant is expected to result in nonsense mediated decay, truncation, or a dysfunctional protein product. This variant is rare in the general population with a frequency below the threshold expected for the associated phenotype(s). Given the available evidence, this variant is classified as Likely Pathogenic.

Baylor Genetics
Classification: Likely pathogenic for Retinitis pigmentosa 25. Last evaluated: 2024-02-05. Review status: criteria provided, single submitter. Criteria: ACMG Guidelines, 2015. Collection method: clinical testing. Allele origin: unknown.

Labcorp Genetics (formerly Invitae), Labcorp
Classification: Pathogenic. Last evaluated: 2023-12-29. Review status: criteria provided, single submitter. Criteria: Invitae Variant Classification Sherloc (09022015). Collection method: clinical testing. Allele origin: germline.
Comment: This sequence change creates a premature translational stop signal (p.Cys690Alafs*39) in the EYS gene. It is expected to result in an absent or disrupted protein product. Loss-of-function variants in EYS are known to be pathogenic (PMID: 18836446, 20333770). This variant is not present in population databases (gnomAD no frequency). This variant has not been reported in the literature in individuals affected with EYS-related conditions. For these reasons, this variant has been classified as Pathogenic.

Blueprint Genetics
Classification: Likely pathogenic for EYS-related disorders. Last evaluated: 2021-09-08. Review status: criteria provided, single submitter. Criteria: ACMG Guidelines, 2015. Collection method: clinical testing. Allele origin: germline. Affected: yes. Observed: 1 variant allele.

Literature cited by the submitters: PubMed 18836446 (cited by Labcorp Genetics (formerly Invitae), Labcorp); PubMed 20333770 (cited by Labcorp Genetics (formerly Invitae), Labcorp).